The following is an entry in ClinVar:

ClinVar aggregate classification (germline): Conflicting classifications of pathogenicity. Review status: criteria provided, conflicting classifications (1 of 4 stars). 11 submissions from 11 submitters: Likely pathogenic (2); Uncertain significance (6). 3 of the submissions do not count toward it. Last evaluated 2026-01-11.

Conditions:
TNNC1-related disorder. Also called: TNNC1-related condition.
Cardiovascular phenotype. Identifiers: MedGen CN230736.
Dilated cardiomyopathy 1Z (CMD1Z). Identifiers: Orphanet 154, MedGen C2678475, MONDO:0012745, OMIM 611879.
Hypertrophic cardiomyopathy 13. Also called: TNNC1-Related Familial Hypertrophic Cardiomyopathy. Identifiers: MedGen C2750472, MONDO:0013195, OMIM 613243.

Allele frequency attached by ClinVar (database versions not stated): TOPMed below 0.00001.

Submissions (11):

Labcorp Genetics (formerly Invitae), Labcorp
Classification: Uncertain significance for Hypertrophic cardiomyopathy 13; Dilated cardiomyopathy 1Z. Last evaluated: 2026-01-11. Review status: criteria provided, single submitter. Criteria: Invitae Variant Classification Sherloc (09022015). Collection method: clinical testing. Allele origin: germline.
Comment: This sequence change replaces aspartic acid, which is acidic and polar, with asparagine, which is neutral and polar, at codon 149 of the TNNC1 protein (p.Asp149Asn). This variant is not present in population databases (gnomAD no frequency). This missense change has been observed in individual(s) with dilated cardiomyopathy (PMID: 27532257, 30847666, 37652022; internal data). ClinVar contains an entry for this variant (Variation ID: 44683). An algorithm developed to predict the effect of missense changes on protein structure and function (PolyPhen-2) suggests that this variant is likely to be disruptive. In summary, the available evidence is currently insufficient to determine the role of this variant in disease. Therefore, it has been classified as a Variant of Uncertain Significance.

Blueprint Genetics
Classification: Likely pathogenic for TNNC1-related disorders. Last evaluated: 2024-08-02. Review status: criteria provided, single submitter. Criteria: ACMG Guidelines, 2015. Collection method: clinical testing. Allele origin: germline. Affected: yes. Observed: 1 variant allele.

GeneDx
Classification: Uncertain significance. Last evaluated: 2024-06-17. Review status: criteria provided, single submitter. Criteria: GeneDx Variant Classification Process June 2021. Collection method: clinical testing. Allele origin: germline. Affected: yes.
Comment: Reported in individuals with DCM or who were referred for DCM genetic testing (PMID: 37652022, 27532257, 30847666); Not observed at significant frequency in large population cohorts (gnomAD); In silico analysis indicates that this missense variant does not alter protein structure/function; This variant is associated with the following publications: (PMID: 27532257, 30847666, 37652022)

Clinical Genetics Laboratory, Skane University Hospital Lund
Classification: Likely pathogenic. Last evaluated: 2024-03-15. Review status: criteria provided, single submitter. Criteria: ACMG Guidelines, 2015. Collection method: clinical testing. Allele origin: germline. Affected: yes.

Clinical Genomics Laboratory, Stanford Medicine
Classification: Uncertain significance for Dilated cardiomyopathy 1Z; Hypertrophic cardiomyopathy 13. Last evaluated: 2023-06-07. Review status: criteria provided, single submitter. Criteria: ACMG Guidelines, 2015. Collection method: clinical testing. Allele origin: germline. Observed: 1 variant allele, 1 heterozygote.
Comment: The p.Asp149Asn variant in the TNNC1 gene has been previously reported in 2 unrelated individuals with dilated cardiomyopathy (van Lint et al., 2019; Walsh et al., 2017). This variant was absent from large population databases, including the Genome Aggregation Database. This variant is present in ClinVar (VCV000044683.45). Computational tools predict that this variant is neither deleterious nor benign; however, the accuracy of in silico algorithms is limited. These data were assessed using the ACMG/AMP variant interpretation guidelines. In summary, the significance of the p.Asp149Asn variant is uncertain. Additional information is needed to resolve the significance of this variant. [ACMG evidence codes used: PM2; PS4_Supporting]

Ambry Genetics
Classification: Uncertain significance for Cardiovascular phenotype. Last evaluated: 2021-02-17. Review status: criteria provided, single submitter. Criteria: Ambry Variant Classification Scheme 2023. Collection method: clinical testing. Allele origin: germline.

Laboratory for Molecular Medicine, Mass General Brigham Personalized Medicine
Classification: Uncertain significance. Last evaluated: 2021-02-16. Review status: criteria provided, single submitter. Criteria: LMM Criteria. Collection method: clinical testing. Allele origin: germline. Inheritance: Autosomal dominant inheritance. Observed: 5 variant alleles.
Comment: proposed classification - variant undergoing re-assessment, contact laboratory

CeGaT Center for Human Genetics Tuebingen
Classification: Uncertain significance. Last evaluated: 2016-09-01. Review status: criteria provided, single submitter. Criteria: CeGaT Center For Human Genetics Tuebingen Variant Classification Criteria Version 2. Collection method: clinical testing. Allele origin: germline. Affected: yes. Observed: 1 variant allele.

Clinical Genetics DNA and cytogenetics Diagnostics Lab, Erasmus MC, Erasmus Medical Center
Classification: Uncertain significance. Review status: no assertion criteria provided. Collection method: clinical testing. Allele origin: germline. Affected: yes. Study: VKGL Data-share Consensus. Not counted in ClinVar's aggregate classification.

Clinical Genetics, Academic Medical Center
Classification: Uncertain significance. Review status: no assertion criteria provided. Collection method: clinical testing. Allele origin: germline. Affected: yes. Study: VKGL Data-share Consensus. Not counted in ClinVar's aggregate classification.

Molecular Cardiogenetic Lab, Hospices Civils de Lyon
Classification: Uncertain significance for Dilated cardiomyopathy 1Z. Review status: no assertion criteria provided. Collection method: clinical testing. Allele origin: de novo. Inheritance: Autosomal dominant inheritance. Affected: yes. Observed: 1 heterozygote. Not counted in ClinVar's aggregate classification.

Literature cited by the submitters: PubMed 27532257 (cited by Labcorp Genetics (formerly Invitae), Labcorp and Clinical Genomics Laboratory, Stanford Medicine); PubMed 30847666 (cited by Labcorp Genetics (formerly Invitae), Labcorp and Clinical Genomics Laboratory, Stanford Medicine); PubMed 37652022 (cited by Labcorp Genetics (formerly Invitae), Labcorp).

NM_003280.3(TNNC1):c.445G>A (p.Asp149Asn)

Gene: TNNC1 (troponin C1, slow skeletal and cardiac type; minus strand). Cytogenetic location: 3p21.1.
Variant type: single nucleotide variant.
Coding change: c.445G>A on transcript NM_003280.3 (MANE Select); coding-DNA position 445, G replaced by A.
Protein change: p.Asp149Asn; replaces aspartic acid 149 with asparagine.
Molecular consequence: missense variant.
Genome position (GRCh38, 1-based): chr3:52,451,400, C>T on the plus strand (G>A on the coding strand, the complement: TNNC1 is on the minus strand). VCF-style: chr3-52451400-C-T. GRCh37 (hg19) VCF-style: chr3-52485416-C-T.
Other names: short protein forms D149N.
Identifiers: ClinVar variation 44683 (VCV000044683.60), dbSNP rs397516849, ClinGen allele CA134860.